The following is an entry in ClinVar:

NM_000535.7(PMS2):c.24T>G (p.Ser8Arg)

Gene: PMS2 (PMS1 homolog 2, mismatch repair system component; minus strand). Cytogenetic location: 7p22.1.
Variant type: single nucleotide variant.
Coding change: c.24T>G on transcript NM_000535.7 (MANE Select); coding-DNA position 24, T replaced by G.
Protein change: p.Ser8Arg; replaces serine 8 with arginine.
Molecular consequence: missense variant. On other transcripts: 5 prime UTR variant (23), non-coding transcript variant (1), intron variant (22).
Genome position (GRCh38, 1-based): chr7:6,006,031, A>C on the plus strand (T>G on the coding strand, the complement: PMS2 is on the minus strand). VCF-style: chr7-6006031-A-C. GRCh37 (hg19) VCF-style: chr7-6045662-A-C.
Other names: c.24T>G, p.Ser8Arg (NM_001406869.1, NM_001406870.1, NM_001406871.1 and 10 more transcripts); c.-461T>G (NM_001406875.1, NM_001406877.1, NM_001406878.1 and 1 more transcripts); c.-192T>G (NM_001406876.1, NM_001406896.1, NM_001406901.1 and 2 more transcripts); c.-408T>G (NM_001406880.1); c.-329T>G (NM_001406888.1, NM_001406892.1, NM_001406894.1 and 3 more transcripts); c.-372T>G (NM_001406890.1); c.-382T>G (NM_001406891.1, NM_001406893.1, NM_001406898.1 and 1 more transcripts); c.-358T>G (NM_001406900.1); and 12 more; short protein forms I70M, S8R.
Identifiers: ClinVar variation 2817850 (VCV002817850.3), dbSNP rs1554306620, ClinGen allele CA366745204.

ClinVar aggregate classification (germline): Uncertain significance (1 of 4 stars; one submission).

Conditions:
Hereditary nonpolyposis colorectal neoplasms. Identifiers: MedGen C0009405, MeSH D003123.

Submission:

Labcorp Genetics (formerly Invitae), Labcorp
Classification: Uncertain significance for Hereditary nonpolyposis colorectal neoplasms. Last evaluated: 2022-12-02. Review status: criteria provided, single submitter. Criteria: Invitae Variant Classification Sherloc (09022015). Collection method: clinical testing. Allele origin: germline.
Comment: In summary, the available evidence is currently insufficient to determine the role of this variant in disease. Therefore, it has been classified as a Variant of Uncertain Significance. RNA analysis performed to evaluate the impact of this missense change on mRNA splicing indicates it does not significantly alter splicing (Invitae). Algorithms developed to predict the effect of missense changes on protein structure and function (SIFT, PolyPhen-2, Align-GVGD) all suggest that this variant is likely to be tolerated. This variant has not been reported in the literature in individuals affected with PMS2-related conditions. This sequence change replaces serine, which is neutral and polar, with arginine, which is basic and polar, at codon 8 of the PMS2 protein (p.Ser8Arg). This variant is not present in population databases (gnomAD no frequency).